The following is an entry in ClinVar:

NM_001382391.1(CSPP1):c.3529T>G (p.Ser1177Ala)

Genes: ARFGEF1 (ARF guanine nucleotide exchange factor 1; minus strand), CSPP1 (centrosome and spindle pole associated protein 1; plus strand). Cytogenetic location: 8q13.2.
Variant type: single nucleotide variant.
Coding change: c.3529T>G on transcript NM_001382391.1 (MANE Select); coding-DNA position 3529, T replaced by G.
Protein change: p.Ser1177Ala; replaces serine 1177 with alanine.
Molecular consequence: missense variant. On other transcripts: 3 prime UTR variant (1), intron variant (2).
Genome position (GRCh38, 1-based): chr8:67,195,441, T>G. VCF-style: chr8-67195441-T-G. GRCh37 (hg19) VCF-style: chr8-68107676-T-G.
Other names: c.2479T>G, p.Ser827Ala (NM_001291339.2); c.3448T>G, p.Ser1150Ala (NM_001363131.2); c.3334T>G, p.Ser1112Ala (NM_001363132.2); c.3253T>G, p.Ser1085Ala (NM_001363133.2); c.3595T>G, p.Ser1199Ala (NM_001364869.1); c.3415T>G, p.Ser1139Ala (NM_001364870.1); c.3361T>G, p.Ser1121Ala (NM_001438330.1); c.*21T>G (NM_001438331.1); and 4 more; short protein forms S1150A, S1172A, S1177A, S1199A, S827A, S1085A, S1112A, S1139A.
Identifiers: ClinVar variation 1045899 (VCV001045899.5), dbSNP rs374262758, ClinGen allele CA4771206.

ClinVar aggregate classification (germline): Uncertain significance. Review status: criteria provided, multiple submitters, no conflicts (2 of 4 stars). 3 submissions from 3 submitters: Uncertain significance (3). Last evaluated 2025-06-03.

Conditions:
Joubert syndrome 21 (JBTS21). Identifiers: MedGen C3810212, MONDO:0014288, OMIM 615636.
Inborn genetic diseases. Identifiers: MedGen C0950123, MeSH D030342.

Allele frequency attached by ClinVar (database versions not stated): gnomAD 0.00013 and 0.00016; TOPMed 0.00014; ExAC 0.00002; ESP Exome Variant Server 0.00016; gnomAD exomes 0.00002.
gnomAD v4.1: 46 of 1,614,076 alleles (0.0028%); highest among the groups gnomAD compares: African/African-American, 0.056%; no homozygotes.

Submissions (3):

Ambry Genetics
Classification: Uncertain significance for Inborn genetic diseases. Last evaluated: 2025-06-03. Review status: criteria provided, single submitter. Criteria: Ambry Variant Classification Scheme 2023. Collection method: clinical testing. Allele origin: germline.

Labcorp Genetics (formerly Invitae), Labcorp
Classification: Uncertain significance for Joubert syndrome 21. Last evaluated: 2022-10-13. Review status: criteria provided, single submitter. Criteria: Invitae Variant Classification Sherloc (09022015). Collection method: clinical testing. Allele origin: germline.
Comment: This sequence change replaces serine, which is neutral and polar, with alanine, which is neutral and non-polar, at codon 1172 of the CSPP1 protein (p.Ser1172Ala). This variant is present in population databases (rs374262758, gnomAD 0.05%). This variant has not been reported in the literature in individuals affected with CSPP1-related conditions. ClinVar contains an entry for this variant (Variation ID: 1045899). Algorithms developed to predict the effect of missense changes on protein structure and function (SIFT, PolyPhen-2, Align-GVGD) all suggest that this variant is likely to be tolerated. In summary, the available evidence is currently insufficient to determine the role of this variant in disease. Therefore, it has been classified as a Variant of Uncertain Significance.

GeneDx
Classification: Uncertain significance. Last evaluated: 2022-07-19. Review status: criteria provided, single submitter. Criteria: GeneDx Variant Classification Process June 2021. Collection method: clinical testing. Allele origin: germline. Affected: yes.
Comment: In silico analysis supports that this missense variant does not alter protein structure/function; Has not been previously published as pathogenic or benign to our knowledge